The following is an entry in ClinVar:

NM_004278.4(PIGL):c.347_355del (p.Asp116_Pro118del)

Gene: PIGL (phosphatidylinositol glycan anchor biosynthesis class L; plus strand). Cytogenetic location: 17p11.2.
Variant type: Deletion.
Coding change: c.347_355del on transcript NM_004278.4 (MANE Select); coding-DNA positions 347 to 355, 9 bases deleted (ATGACCCAG; older notation c.347_355delATGACCCAG).
Protein change: p.Asp116_Pro118del.
Molecular consequence: inframe deletion.
Genome position (GRCh38, 1-based): chr17:16,299,899-16,299,907, ATGACCCAG deleted; deleting any 9 consecutive bases within chr17:16,299,894-16,299,907 gives the same sequence; the c. name uses the placement nearest the transcript's 3' end. VCF-style (leftmost placement, unchanged base first): chr17-16299893-TCCCAGATGA-T. GRCh37 (hg19) VCF-style: chr17-16203207-TCCCAGATGA-T.
Other names: c.347_355del, p.Asp116_Pro118del (NM_001411072.1).
Identifiers: ClinVar variation 4813111 (VCV004813111.1).

ClinVar aggregate classification (germline): Uncertain significance (1 of 4 stars; one submission).

Conditions:
Ichthyosis and erythrokeratoderma.

Submission:

Genetics Laboratory, Great Ormond Street Hospital NHS Foundation Trust, North Thames Genomic Laboratory Hub
Classification: Uncertain significance for Ichthyosis and erythrokeratoderma. Last evaluated: 2026-01-05. Review status: criteria provided, single submitter. Criteria: ACGS Best Practice Guidelines for Variant Classification in Rare Disease 2024 v1.2. Collection method: clinical testing. Allele origin: germline. Affected: yes.
Comment: PM2_moderate, PM4_moderate, PM3_supporting